The following is an entry in ClinVar:

NM_000368.5(TSC1):c.2976-7C>T

Gene: TSC1 (TSC complex subunit 1; minus strand). Cytogenetic location: 9q34.13.
Variant type: single nucleotide variant.
Coding change: c.2976-7C>T on transcript NM_000368.5 (MANE Select); 7 bases into the intron before coding-DNA position 2976, C replaced by T.
Molecular consequence: intron variant.
Genome position (GRCh38, 1-based): chr9:132,896,761, G>A on the plus strand (C>T on the coding strand, the complement: TSC1 is on the minus strand). VCF-style: chr9-132896761-G-A. GRCh37 (hg19) VCF-style: chr9-135772148-G-A.
Other names: c.2613-7C>T (NM_001362177.2); c.2823-7C>T (NM_001162427.2); c.2973-7C>T (NM_001162426.2).
Identifiers: ClinVar variation 1111157 (VCV001111157.10), dbSNP rs2131617134, ClinGen allele CA2499219695.

ClinVar aggregate classification (germline): Likely benign. Review status: criteria provided, multiple submitters, no conflicts (2 of 4 stars). 2 submissions from 2 submitters: Likely benign (2). Last evaluated 2026-02-01.

Conditions:
Tuberous sclerosis 1 (TSC1). Identifiers: Orphanet 805, MedGen C1854465, MONDO:0008612, OMIM 191100.

Submissions (2):

Labcorp Genetics (formerly Invitae), Labcorp
Classification: Likely benign for Tuberous sclerosis 1. Last evaluated: 2026-02-01. Review status: criteria provided, single submitter. Criteria: Invitae Variant Classification Sherloc (09022015). Collection method: clinical testing. Allele origin: germline.

Myriad Genetics, Inc.
Classification: Likely benign for Tuberous sclerosis 1. Last evaluated: 2025-04-29. Review status: criteria provided, single submitter. Criteria: Myriad Autosomal Dominant, Autosomal Recessive and X-Linked Classification Criteria (2023). Collection method: clinical testing. Allele origin: unknown.
Comment: This variant is considered likely benign. This variant is intronic and is not expected to impact mRNA splicing.